The following is an entry in ClinVar:

ClinVar aggregate classification (germline): Uncertain significance (0 of 4 stars; one submission).

Conditions:
ARHGAP32-related disorder. Also called: ARHGAP32-related condition.

Submission:

PreventionGenetics, part of Exact Sciences
Classification: Uncertain significance for ARHGAP32-related condition. Last evaluated: 2024-09-18. Review status: no assertion criteria provided. Collection method: clinical testing. Allele origin: germline.
Comment: The ARHGAP32 c.116G>C variant is predicted to result in the amino acid substitution p.Arg39Thr. To our knowledge, this variant has not been reported in the literature or in a large population database, indicating this variant is rare. At this time, the clinical significance of this variant is uncertain due to the absence of conclusive functional and genetic evidence.

NM_001378024.1(ARHGAP32):c.116G>C (p.Arg39Thr)

Gene: ARHGAP32 (Rho GTPase activating protein 32; minus strand). Cytogenetic location: 11q24.3.
Variant type: single nucleotide variant.
Coding change: c.116G>C on transcript NM_001378024.1 (MANE Select); coding-DNA position 116, G replaced by C.
Protein change: p.Arg39Thr; replaces arginine 39 with threonine.
Molecular consequence: missense variant. On other transcripts: intron variant (1).
Genome position (GRCh38, 1-based): chr11:129,192,083, C>G on the plus strand (G>C on the coding strand, the complement: ARHGAP32 is on the minus strand). VCF-style: chr11-129192083-C-G. GRCh37 (hg19) VCF-style: chr11-129061978-C-G.
Other names: c.116G>C, p.Arg39Thr (NM_001142685.2); c.-4-27656G>C (NM_001378025.1); short protein forms R39T.
Identifiers: ClinVar variation 3345443 (VCV003345443.1).